The following is an entry in ClinVar:

NM_001042702.5(PJVK):c.131_134del (p.Phe44fs)

Gene: PJVK (pejvakin; plus strand). Cytogenetic location: 2q31.2.
Variant type: Deletion.
Coding change: c.131_134del on transcript NM_001042702.5 (MANE Select); coding-DNA positions 131 to 134, 4 bases deleted (TTCT; older notation c.131_134delTTCT).
Protein change: p.Phe44fs; shifts the reading frame from phenylalanine 44.
Molecular consequence: frameshift variant. On other transcripts: 5 prime UTR variant (1), intron variant (1).
Genome position (GRCh38, 1-based): chr2:178,453,540-178,453,543, TTCT deleted; deleting any 4 consecutive bases within chr2:178,453,538-178,453,543 gives the same sequence; the c. name uses the placement nearest the transcript's 3' end. VCF-style (leftmost placement, unchanged base first): chr2-178453537-GCTTT-G. GRCh37 (hg19) VCF-style: chr2-179318264-GCTTT-G.
Other names: c.131_134del (NM_001042702.3); c.140_143del, p.Phe47fs (NM_001353775.2); c.236_239del, p.Phe79fs (NM_001353776.2); c.-347_-344del (NM_001353778.2); c.131_134del, p.Phe44fs (NM_001369912.1); c.-334-13_-334-10del (NM_001353777.1); short protein forms F47fs, F44fs, F79fs.
Identifiers: ClinVar variation 2807695 (VCV002807695.4), dbSNP rs1177373078, ClinGen allele CA538434838.
Genomic context (GRCh38, chr2:178,453,537, plus strand): 5'-CAAGCCTCAGTGAAGCTGACAAATATCAACCTCTAAGTCTGGTGGTAAAAAAGAAGCGAT[GCTTT>G]CTGTTTCCTAGATATAAATTTACTTCAACACCTTTTACACTGAAAGATATTCTCCTAGGA-3'

ClinVar aggregate classification (germline): Pathogenic. Review status: criteria provided, multiple submitters, no conflicts (2 of 4 stars). 2 submissions from 2 submitters: Pathogenic (2). Last evaluated 2024-09-09.

Submissions (2):

Labcorp Genetics (formerly Invitae), Labcorp
Classification: Pathogenic. Last evaluated: 2024-09-09. Review status: criteria provided, single submitter. Criteria: Invitae Variant Classification Sherloc (09022015). Collection method: clinical testing. Allele origin: germline.
Comment: This sequence change creates a premature translational stop signal (p.Phe44Cysfs*14) in the DFNB59 gene. It is expected to result in an absent or disrupted protein product. Loss-of-function variants in DFNB59 are known to be pathogenic (PMID: 17301963, 17718875). This variant is present in population databases (no rsID available, gnomAD 0.007%). This variant has not been reported in the literature in individuals affected with DFNB59-related conditions. For these reasons, this variant has been classified as Pathogenic.

GeneDx
Classification: Pathogenic. Last evaluated: 2024-08-26. Review status: criteria provided, single submitter. Criteria: GeneDx Variant Classification Process June 2021. Collection method: clinical testing. Allele origin: germline. Affected: yes.
Comment: Frameshift variant predicted to result in protein truncation or nonsense mediated decay in a gene for which loss-of-function is a known mechanism of disease; Has not been previously published as pathogenic or benign to our knowledge; Not observed at significant frequency in large population cohorts (gnomAD)

Literature cited by the submitters: PubMed 17301963 (cited by Labcorp Genetics (formerly Invitae), Labcorp); PubMed 17718875 (cited by Labcorp Genetics (formerly Invitae), Labcorp).